The following is an entry in ClinVar:

ClinVar aggregate classification (germline): Uncertain significance (1 of 4 stars; one submission).

Conditions:
Neurofibromatosis, type 1 (NF1). Also called: VON RECKLINGHAUSEN DISEASE; Neurofibromatosis, type I; NEUROFIBROMATOSIS, TYPE I, SOMATIC; Peripheral type neurofibromatosis. Identifiers: Orphanet 636, MedGen C0027831, MONDO:0018975, OMIM 162200. Disease mechanism: loss of function.

Submission:

Labcorp Genetics (formerly Invitae), Labcorp
Classification: Uncertain significance for Neurofibromatosis, type 1. Last evaluated: 2025-09-04. Review status: criteria provided, single submitter. Criteria: Invitae Variant Classification Sherloc (09022015). Collection method: clinical testing. Allele origin: germline.
Comment: This sequence change replaces valine, which is neutral and non-polar, with glycine, which is neutral and non-polar, at codon 1230 of the NF1 protein (p.Val1230Gly). This variant is not present in population databases (gnomAD no frequency). This variant has not been reported in the literature in individuals affected with NF1-related conditions. Invitae Evidence Modeling of protein sequence and biophysical properties (such as structural, functional, and spatial information, amino acid conservation, physicochemical variation, residue mobility, and thermodynamic stability) indicates that this missense variant is expected to disrupt NF1 protein function with a positive predictive value of 95%. In summary, the available evidence is currently insufficient to determine the role of this variant in disease. Therefore, it has been classified as a Variant of Uncertain Significance.

NM_001042492.3(NF1):c.3689T>G (p.Val1230Gly)

Gene: NF1 (neurofibromin 1; plus strand). Cytogenetic location: 17q11.2.
Variant type: single nucleotide variant.
Coding change: c.3689T>G on transcript NM_001042492.3 (MANE Select); coding-DNA position 3689, T replaced by G.
Protein change: p.Val1230Gly; replaces valine 1230 with glycine.
Molecular consequence: missense variant.
Genome position (GRCh38, 1-based): chr17:31,233,194, T>G. VCF-style: chr17-31233194-T-G. GRCh37 (hg19) VCF-style: chr17-29560212-T-G.
Other names: c.3689T>G, p.Val1230Gly (NM_000267.4); short protein forms V1230G.
Identifiers: ClinVar variation 4800757 (VCV004800757.1).